The following is an entry in ClinVar:

ClinVar aggregate classification (germline): Likely benign. Review status: criteria provided, multiple submitters, no conflicts (2 of 4 stars). 3 submissions from 3 submitters: Likely benign (3). Last evaluated 2026-04-13.

Conditions:
WNT5A-related disorder. Also called: WNT5A-related condition.
Autosomal dominant Robinow syndrome 1. Also called: FETAL FACE SYNDROME; ROBINOW DWARFISM; WNT5A-Related Robinow Syndrome, Autosomal Dominant; ACRAL DYSOSTOSIS WITH FACIAL AND GENITAL ABNORMALITIES; Covesdem syndrome (formerly); Costovertebral segmentation defect with mesomelia (formerly). Identifiers: Orphanet 3107, Orphanet 97360, MedGen C4551475, MONDO:0024455, OMIM 180700.

Allele frequency attached by ClinVar (database versions not stated): gnomAD 0.00001; TOPMed 0.00002; gnomAD exomes 0.00004; ExAC 0.00005.
gnomAD v4.1: 76 of 1,613,890 alleles (0.0047%); highest among the groups gnomAD compares: Non-Finnish European, 0.0058%; 1 homozygote.

Submissions (3):

PreventionGenetics, part of Exact Sciences
Classification: Likely benign for WNT5A-related condition. Last evaluated: 2026-04-13. Review status: criteria provided, single submitter. Criteria: ACMG Guidelines, 2015. Collection method: clinical testing. Allele origin: germline.
Comment: This variant is classified as likely benign based on ACMG/AMP sequence variant interpretation guidelines (Richards et al. 2015 PMID: 25741868, with internal and published modifications).

Labcorp Genetics (formerly Invitae), Labcorp
Classification: Likely benign. Last evaluated: 2025-05-18. Review status: criteria provided, single submitter. Criteria: Invitae Variant Classification Sherloc (09022015). Collection method: clinical testing. Allele origin: germline.

Fulgent Genetics
Classification: Likely benign for Autosomal dominant Robinow syndrome 1. Last evaluated: 2021-12-14. Review status: criteria provided, single submitter. Criteria: ACMG Guidelines, 2015. Collection method: clinical testing. Allele origin: unknown.

NM_003392.7(WNT5A):c.291G>A (p.Ala97=)

Gene: WNT5A (Wnt family member 5A; minus strand). Cytogenetic location: 3p14.3.
Variant type: single nucleotide variant.
Coding change: c.291G>A on transcript NM_003392.7 (MANE Select); coding-DNA position 291, G replaced by A.
Protein change: p.Ala97=; no amino-acid change (alanine 97 retained).
Molecular consequence: synonymous variant.
Genome position (GRCh38, 1-based): chr3:55,479,414, C>T on the plus strand (G>A on the coding strand, the complement: WNT5A is on the minus strand). VCF-style: chr3-55479414-C-T. GRCh37 (hg19) VCF-style: chr3-55513442-C-T.
Other names: c.246G>A, p.Ala82= (NM_001256105.1, NM_001377271.1, NM_001377272.1).
Identifiers: ClinVar variation 731899 (VCV000731899.10), dbSNP rs762941459, ClinGen allele CA2459078.
Genomic context (GRCh38, chr3:55,479,414, plus strand): 5'-AGTGCTGCAGTTCCACCTTCGATGTCGGAATTGATACTGGCATTCTTTGATGCCTGTCTT[C>T]GCGCCTTCTCCGATGTACTGCATGTGGTCCTGATACAAGTGGCACAGTTTCTTCTGTCCT-3'
Protein context (NP_003383.4, residues 87-107): QDHMQYIGEG[Ala97=]KTGIKECQYQ